The following is an entry in ClinVar:

ClinVar aggregate classification (germline): Uncertain significance (1 of 4 stars; one submission).

Submission:

Dasa
Classification: Uncertain significance. Last evaluated: 2026-02-20. Review status: criteria provided, single submitter. Criteria: DASA Assertion Criteria. Collection method: clinical testing. Allele origin: germline.
Comment: NM_012310.5(KIF4A):c.1573G>A (p.Glu525Lys) is a missense variant that results in the substitution of glutamic acid with lysine. This variant is rare in population databases. The currently available literature and clinical evidence are not sufficient to establish a definitive association between this variant and the reported condition. Therefore, this variant is classified as a variant of uncertain significance.

NM_012310.5(KIF4A):c.1573G>A (p.Glu525Lys)

Gene: KIF4A (kinesin family member 4A; plus strand). Cytogenetic location: Xq13.1.
Variant type: single nucleotide variant.
Coding change: c.1573G>A on transcript NM_012310.5 (MANE Select); coding-DNA position 1573, G replaced by A.
Protein change: p.Glu525Lys; replaces glutamic acid 525 with lysine.
Molecular consequence: missense variant.
Genome position (GRCh38, 1-based): chrX:70,353,706, G>A. VCF-style: chrX-70353706-G-A. GRCh37 (hg19) VCF-style: chrX-69573556-G-A.
Other names: short protein forms E525K.
Identifiers: ClinVar variation 4882310 (VCV004882310.2).
Genomic context (GRCh38, chrX:70,353,706, plus strand): 5'-AGCAGGTCTTCTGACGCTTTTACCACTCAGCATGCTCTCCGTCAAGCGCAGATGTCTAAG[G>A]AGCTGGTTGAGTTGAATAAAGCGCTTGCACTGAAAGAGGCCCTGGCTAGGAAGATGACTC-3'
Protein context (NP_036442.3, residues 515-535): HALRQAQMSK[Glu525Lys]LVELNKALAL